The following is an entry in ClinVar:

ClinVar aggregate classification (germline): Uncertain significance (1 of 4 stars; one submission).

gnomAD v4.1: 8 of 1,551,108 alleles (0.00052%); highest among the groups gnomAD compares: South Asian, 0.0067%; no homozygotes.

Submission:

Labcorp Genetics (formerly Invitae), Labcorp
Classification: Uncertain significance. Last evaluated: 2025-05-22. Review status: criteria provided, single submitter. Criteria: Invitae Variant Classification Sherloc (09022015). Collection method: clinical testing. Allele origin: germline.
Comment: This sequence change falls in intron 2 of the ANGPTL3 gene. It does not directly change the encoded amino acid sequence of the ANGPTL3 protein. It affects a nucleotide within the consensus splice site. This variant is present in population databases (rs772302809, gnomAD 0.01%). This variant has not been reported in the literature in individuals affected with ANGPTL3-related conditions. Variants that disrupt the consensus splice site are a relatively common cause of aberrant splicing (PMID: 17576681, 9536098). Algorithms developed to predict the effect of sequence changes on RNA splicing suggest that this variant is not likely to affect RNA splicing. In summary, the available evidence is currently insufficient to determine the role of this variant in disease. Therefore, it has been classified as a Variant of Uncertain Significance.

Literature cited by the submitters: PubMed 17576681; PubMed 9536098.

NM_014495.4(ANGPTL3):c.606+4A>G

Genes: ANGPTL3 (angiopoietin like 3; plus strand), DOCK7 (dedicator of cytokinesis 7; minus strand). Cytogenetic location: 1p31.3.
Variant type: single nucleotide variant.
Coding change: c.606+4A>G on transcript NM_014495.4 (MANE Select); 4 bases into the intron after coding-DNA position 606, A replaced by G.
Molecular consequence: intron variant.
Genome position (GRCh38, 1-based): chr1:62,598,810, A>G. VCF-style: chr1-62598810-A-G. GRCh37 (hg19) VCF-style: chr1-63064481-A-G.
Other names: c.1683-12186T>C (NM_001272001.2, NM_001272000.2, NM_033407.4 and 4 more transcripts).
Identifiers: ClinVar variation 4765748 (VCV004765748.1).